The following is an entry in ClinVar:

NM_018062.4(FANCL):c.904-4G>T

Gene: FANCL (FA complementation group L; minus strand). Cytogenetic location: 2p16.1.
Variant type: single nucleotide variant.
Coding change: c.904-4G>T on transcript NM_018062.4 (MANE Select); 4 bases into the intron before coding-DNA position 904, G replaced by T.
Molecular consequence: intron variant.
Genome position (GRCh38, 1-based): chr2:58,161,642, C>A on the plus strand (G>T on the coding strand, the complement: FANCL is on the minus strand). VCF-style: chr2-58161642-C-A. GRCh37 (hg19) VCF-style: chr2-58388777-C-A.
Other names: c.949-4G>T (NM_001374615.1); c.919-4G>T (NM_001114636.2); c.964-4G>T (NM_001410792.1).
Identifiers: ClinVar variation 997506 (VCV000997506.5), dbSNP rs757211531, ClinGen allele CA891862628.

ClinVar aggregate classification (germline): Conflicting classifications of pathogenicity. Review status: criteria provided, conflicting classifications (1 of 4 stars). 2 submissions from 2 submitters: Uncertain significance (1); Likely benign (1). Last evaluated 2025-11-09.

Conditions:
Fanconi anemia (FA). Also called: Fanconi's anemia. Identifiers: Orphanet 84, MedGen C0015625, MeSH D005199, MONDO:0019391.
Fanconi anemia complementation group L (FANCL). Also called: FANCL-Related Fanconi Anemia. Identifiers: Orphanet 84, MedGen C3469528, MONDO:0013566, OMIM 614083.

gnomAD v4.1: 1 of 1,583,728 alleles (0.000063%); highest among the groups gnomAD compares: Admixed American, 0.0017%; no homozygotes.

Submissions (2):

Labcorp Genetics (formerly Invitae), Labcorp
Classification: Likely benign for Fanconi anemia. Last evaluated: 2025-11-09. Review status: criteria provided, single submitter. Criteria: Invitae Variant Classification Sherloc (09022015). Collection method: clinical testing. Allele origin: germline.

Baylor Genetics
Classification: Uncertain significance for Fanconi anemia complementation group L. Last evaluated: 2018-11-24. Review status: criteria provided, single submitter. Criteria: ACMG Guidelines, 2015. Collection method: clinical testing. Allele origin: unknown. Affected: yes. Study: CSER-TexasKidsCanSeq.
Comment: This variant was determined to be of uncertain significance according to ACMG Guidelines, 2015 [PMID:25741868].